The following is an entry in ClinVar:

NM_006506.5(RASA2):c.2370del (p.Glu791fs)

Gene: RASA2 (RAS p21 protein activator 2; plus strand). Cytogenetic location: 3q23.
Variant type: Deletion.
Coding change: c.2370del on transcript NM_006506.5 (MANE Select); coding-DNA position 2370, one base deleted (A; older notation c.2370delA).
Protein change: p.Glu791fs; shifts the reading frame from glutamic acid 791.
Molecular consequence: frameshift variant.
Genome position (GRCh38, 1-based): chr3:141,609,917, A deleted; the last of 3 consecutive A bases (chr3:141,609,915-141,609,917); deleting any one gives the same sequence. VCF-style (leftmost placement, unchanged base first): chr3-141609914-GA-G. GRCh37 (hg19) VCF-style: chr3-141328756-GA-G.
Other names: c.2373del, p.Glu792fs (NM_001303245.3); c.2382del, p.Glu795fs (NM_001303246.3); short protein forms E791fs, E792fs, E795fs.
Identifiers: ClinVar variation 2098561 (VCV002098561.4), dbSNP rs2478880029, ClinGen allele CA2580068880.

ClinVar aggregate classification (germline): Uncertain significance (1 of 4 stars; one submission).

Submission:

Labcorp Genetics (formerly Invitae), Labcorp
Classification: Uncertain significance. Last evaluated: 2022-02-18. Review status: criteria provided, single submitter. Criteria: Invitae Variant Classification Sherloc (09022015). Collection method: clinical testing. Allele origin: germline.
Comment: This sequence change creates a premature translational stop signal (p.Glu791Serfs*9) in the RASA2 gene. It is expected to result in an absent or disrupted protein product. However, the current clinical and genetic evidence is not sufficient to establish whether loss-of-function variants in RASA2 cause disease. This variant is not present in population databases (gnomAD no frequency). In summary, the available evidence is currently insufficient to determine the role of this variant in disease. Therefore, it has been classified as a Variant of Uncertain Significance. This variant has not been reported in the literature in individuals affected with RASA2-related conditions.